The following is an entry in ClinVar:

NM_021008.4(DEAF1):c.937C>G (p.Pro313Ala)

Gene: DEAF1 (DEAF1 transcription factor; minus strand). Cytogenetic location: 11p15.5.
Variant type: single nucleotide variant.
Coding change: c.937C>G on transcript NM_021008.4 (MANE Select); coding-DNA position 937, C replaced by G.
Protein change: p.Pro313Ala; replaces proline 313 with alanine.
Molecular consequence: missense variant. On other transcripts: intron variant (1).
Genome position (GRCh38, 1-based): chr11:681,023, G>C on the plus strand (C>G on the coding strand, the complement: DEAF1 is on the minus strand). VCF-style: chr11-681023-G-C. GRCh37 (hg19) VCF-style: chr11-681023-G-C.
Other names: c.211C>G, p.Pro71Ala (NM_001367390.1, NM_001440885.1, NM_001440886.1 and 1 more transcripts); c.937C>G, p.Pro313Ala (NM_001440883.1, NM_001440884.1); c.731-1207C>G (NM_001293634.2); short protein forms P313A, P71A.
Identifiers: ClinVar variation 3376638 (VCV003376638.1).
Genomic context (GRCh38, chr11:681,023, plus strand): 5'-AGGTGGTAGCCGCGGTGGCTGGAAGCAATGTGATGTTCTTGGGGGAGTCCTTCTTCACGG[G>C]AGTTGTGGGCAGTTCATTCTCCTTCTTGCGCCTTTTGTAAGGCACAAAAAGCCTGACTGG-3'
Protein context (NP_066288.2, residues 303-323): RKKENELPTT[Pro313Ala]VKKDSPKNIT

ClinVar aggregate classification (germline): Uncertain significance (1 of 4 stars; one submission).

Conditions:
Intellectual disability, autosomal dominant 24 (VSVS). Also called: VULTO-VAN SILFHOUT-DE VRIES SYNDROME. Identifiers: MedGen C4014414, MONDO:0014357, OMIM 615828.

Submission:

Victorian Clinical Genetics Services, Murdoch Childrens Research Institute
Classification: Uncertain significance for Intellectual disability, autosomal dominant 24. Last evaluated: 2022-09-02. Review status: criteria provided, single submitter. Criteria: ACMG Guidelines, 2015. Collection method: clinical testing. Allele origin: germline. Inheritance: Autosomal dominant inheritance. Affected: yes.
Comment: Based on the classification scheme VCGS_Germline_v1.3.4, this variant is classified as VUS-3B. Following criteria are met: 0103 - Dominant negative or loss of function are known mechanisms of disease in this gene and are associated with Vulto-van Silfout-de Vries syndrome (MIM#615828, AD) and neurodevelopmental disorder with hypotonia, impaired expressive language, and with or without seizures (MIM#617171, AR) respectively (PMID: 30923367). (I) 0108 - This gene is associated with both recessive and dominant disease (OMIM, PMID: 30923367). (I) 0200 - Variant is predicted to result in a missense amino acid change from proline to alanine. (I) 0251 - This variant is heterozygous. (I) 0301 - Variant is absent from gnomAD (both v2 and v3). (SP) 0502 - Missense variant with conflicting in silico predictions and uninformative conservation. (I) 0600 - Variant is located in the nuclear localisation signal motif (DECIPHER). (I) 0705 - No comparable missense variants have previous evidence for pathogenicity. (I) 0807 - This variant has no previous evidence of pathogenicity. (I) 0905 - No published segregation evidence has been identified for this variant. (I) 1007 - No published functional evidence has been identified for this variant. (I) 1208 - Inheritance information for this variant is not currently available in this individual. (I) Legend: (SP) - Supporting pathogenic, (I) - Information, (SB) - Supporting benign

Literature cited by the submitters: PubMed 30923367.